The following is an entry in ClinVar:

NM_020778.5(ALPK3):c.4072G>T (p.Asp1358Tyr)

Gene: ALPK3 (alpha kinase 3; plus strand). Cytogenetic location: 15q25.3.
Variant type: single nucleotide variant.
Coding change: c.4072G>T on transcript NM_020778.5 (MANE Select); coding-DNA position 4072, G replaced by T.
Protein change: p.Asp1358Tyr; replaces aspartic acid 1358 with tyrosine.
Molecular consequence: missense variant.
Genome position (GRCh38, 1-based): chr15:84,859,882, G>T. VCF-style: chr15-84859882-G-T. GRCh37 (hg19) VCF-style: chr15-85403113-G-T.
Other names: short protein forms D1358Y.
Identifiers: ClinVar variation 1507772 (VCV001507772.6), dbSNP rs780843840, ClinGen allele CA7709825.

ClinVar aggregate classification (germline): Uncertain significance (1 of 4 stars; one submission).

gnomAD v4.1: 8 of 1,613,916 alleles (0.0005%); highest among the groups gnomAD compares: Admixed American, 0.013%; no homozygotes.

Submission:

Labcorp Genetics (formerly Invitae), Labcorp
Classification: Uncertain significance. Last evaluated: 2025-01-22. Review status: criteria provided, single submitter. Criteria: Invitae Variant Classification Sherloc (09022015). Collection method: clinical testing. Allele origin: germline.
Comment: This sequence change replaces aspartic acid, which is acidic and polar, with tyrosine, which is neutral and polar, at codon 1560 of the ALPK3 protein (p.Asp1560Tyr). This variant is present in population databases (rs780843840, gnomAD 0.02%). This variant has not been reported in the literature in individuals affected with ALPK3-related conditions. ClinVar contains an entry for this variant (Variation ID: 1507772). Invitae Evidence Modeling of protein sequence and biophysical properties (such as structural, functional, and spatial information, amino acid conservation, physicochemical variation, residue mobility, and thermodynamic stability) indicates that this missense variant is expected to disrupt ALPK3 protein function with a positive predictive value of 80%. In summary, the available evidence is currently insufficient to determine the role of this variant in disease. Therefore, it has been classified as a Variant of Uncertain Significance.